The following is an entry in ClinVar:

NM_003803.4(MYOM1):c.3419G>A (p.Gly1140Glu)

Gene: MYOM1 (myomesin 1; minus strand). Cytogenetic location: 18p11.31.
Variant type: single nucleotide variant.
Coding change: c.3419G>A on transcript NM_003803.4 (MANE Select); coding-DNA position 3419, G replaced by A.
Protein change: p.Gly1140Glu; replaces glycine 1140 with glutamic acid.
Molecular consequence: missense variant.
Genome position (GRCh38, 1-based): chr18:3,102,630, C>T on the plus strand (G>A on the coding strand, the complement: MYOM1 is on the minus strand). VCF-style: chr18-3102630-C-T. GRCh37 (hg19) VCF-style: chr18-3102628-C-T.
Other names: c.3131G>A, p.Gly1044Glu (NM_019856.2); short protein forms G1140E, G1044E.
Identifiers: ClinVar variation 454449 (VCV000454449.12), dbSNP rs375843420, ClinGen allele CA8874287.

ClinVar aggregate classification (germline): Uncertain significance. Review status: criteria provided, multiple submitters, no conflicts (2 of 4 stars). 3 submissions from 3 submitters: Uncertain significance (3). Last evaluated 2025-08-20.

Conditions:
Hypertrophic cardiomyopathy. Also called: HYPERTROPHIC MYOCARDIOPATHY. Identifiers: Orphanet 217569, MedGen C0007194, MeSH D002312, MONDO:0005045, HP:0001639.

Allele frequency attached by ClinVar (database versions not stated): gnomAD 0.00003 and 0.00006; ExAC 0.00006; gnomAD exomes 0.00006 and 0.00011; TOPMed 0.00007; ESP Exome Variant Server 0.00008.
gnomAD v4.1: 154 of 1,610,124 alleles (0.0096%); highest among the groups gnomAD compares: Non-Finnish European, 0.013%; no homozygotes.

Submissions (3):

Ambry Genetics
Classification: Uncertain significance. Last evaluated: 2025-08-20. Review status: criteria provided, single submitter. Criteria: Ambry Variant Classification Scheme 2023. Collection method: clinical testing. Allele origin: germline.

Labcorp Genetics (formerly Invitae), Labcorp
Classification: Uncertain significance for Hypertrophic cardiomyopathy. Last evaluated: 2024-10-03. Review status: criteria provided, single submitter. Criteria: Invitae Variant Classification Sherloc (09022015). Collection method: clinical testing. Allele origin: germline.
Comment: This sequence change replaces glycine, which is neutral and non-polar, with glutamic acid, which is acidic and polar, at codon 1140 of the MYOM1 protein (p.Gly1140Glu). This variant is present in population databases (rs375843420, gnomAD 0.01%). This variant has not been reported in the literature in individuals affected with MYOM1-related conditions. ClinVar contains an entry for this variant (Variation ID: 454449). An algorithm developed to predict the effect of missense changes on protein structure and function (PolyPhen-2) suggests that this variant is likely to be disruptive. In summary, the available evidence is currently insufficient to determine the role of this variant in disease. Therefore, it has been classified as a Variant of Uncertain Significance.

Fulgent Genetics
Classification: Uncertain significance for Hypertrophic cardiomyopathy. Last evaluated: 2018-10-31. Review status: criteria provided, single submitter. Criteria: ACMG Guidelines, 2015. Collection method: clinical testing. Allele origin: unknown.